The following is an entry in ClinVar:

NM_001190274.2(FBXO11):c.1224_1225del (p.Cys408_Glu409delinsTer)

Gene: FBXO11 (F-box protein 11; minus strand). Cytogenetic location: 2p16.3.
Variant type: Microsatellite.
Coding change: c.1224_1225del on transcript NM_001190274.2 (MANE Select); coding-DNA positions 1224 to 1225, 2 bases deleted (TG; older notation c.1224_1225delTG).
Protein change: p.Cys408_Glu409delinsTer.
Molecular consequence: nonsense.
Genome position (GRCh38, 1-based): chr2:47,832,607-47,832,608, CA deleted on the plus strand (TG on the coding strand, the reverse complement: FBXO11 is on the minus strand); deleting any 2 consecutive bases within chr2:47,832,607-47,832,610 gives the same sequence; the c. name uses the placement nearest the transcript's 3' end. VCF-style (leftmost placement, unchanged base first): chr2-47832606-TCA-T. GRCh37 (hg19) VCF-style: chr2-48059745-TCA-T.
Other names: c.972_973del, p.Cys324_Glu325delinsTer (NM_001374325.1, NM_025133.4).
Identifiers: ClinVar variation 4619817 (VCV004619817.2).
Genomic context (GRCh38, chr2:47,832,606, plus strand): 5'-AAAAACCACACAAAATTAAAAAATACCTGTGCATGATCTGTTATATATAGTCCAACATTT[TCA>T]CAGTCACTGATGTTACAGTGCTTGATGGTGGGACATGCTCCTTGACCACTAACACATACT-3'

ClinVar aggregate classification (germline): Pathogenic. Review status: criteria provided, multiple submitters, no conflicts (2 of 4 stars). 2 submissions from 2 submitters: Pathogenic (2). Last evaluated 2025-12-27.

Conditions:
Inborn genetic diseases. Identifiers: MedGen C0950123, MeSH D030342.

Submissions (2):

Labcorp Genetics (formerly Invitae), Labcorp
Classification: Pathogenic. Last evaluated: 2025-12-27. Review status: criteria provided, single submitter. Criteria: Invitae Variant Classification Sherloc (09022015). Collection method: clinical testing. Allele origin: germline.
Comment: This sequence change creates a premature translational stop signal (p.Cys408*) in the FBXO11 gene. It is expected to result in an absent or disrupted protein product. Loss-of-function variants in FBXO11 are known to be pathogenic (PMID: 30057029, 30679813). This variant is not present in population databases (gnomAD no frequency). This premature translational stop signal has been observed in individual(s) with FBXO11-related neurodevelopmental disorder (PMID: 33258288). For these reasons, this variant has been classified as Pathogenic.

Ambry Genetics
Classification: Pathogenic for Inborn genetic diseases. Last evaluated: 2025-09-25. Review status: criteria provided, single submitter. Criteria: Ambry Variant Classification Scheme 2023. Collection method: clinical testing. Allele origin: germline.
Comment: The c.1224_1225delTG (p.C408*) alteration, located in exon 10 (coding exon 10) of the FBXO11 gene, consists of a deletion of 2 nucleotides from position 1224 to 1225. This changes the amino acid from a cysteine (C) to a stop codon at amino acid position 408. This alteration is expected to result in loss of function by premature protein truncation or nonsense-mediated mRNA decay. This variant was not reported in population-based cohorts in the Genome Aggregation Database (gnomAD). This variant was determined to be de novo in at least one individual with features consistent with FBXO11-related neurodevelopmental disorder (Quaio, 2020). Based on the available evidence, this alteration is classified as pathogenic.

Literature cited by the submitters: PubMed 30057029 (cited by Labcorp Genetics (formerly Invitae), Labcorp); PubMed 30679813 (cited by Labcorp Genetics (formerly Invitae), Labcorp); PubMed 33258288 (cited by Labcorp Genetics (formerly Invitae), Labcorp and Ambry Genetics).